The following is an entry in ClinVar:

ClinVar aggregate classification (germline): Likely benign (1 of 4 stars; one submission).

Submission:

GeneDx
Classification: Likely benign. Last evaluated: 2018-08-06. Review status: criteria provided, single submitter. Criteria: GeneDx Variant Classification Process June 2021. Collection method: clinical testing. Allele origin: germline. Affected: yes.
Comment: See Variant Classification Assertion Criteria.

NM_001916.5(CYC1):c.773-9G>A

Gene: CYC1 (cytochrome c1; plus strand). Cytogenetic location: 8q24.3.
Variant type: single nucleotide variant.
Coding change: c.773-9G>A on transcript NM_001916.5 (MANE Select); 9 bases into the intron before coding-DNA position 773, G replaced by A.
Molecular consequence: intron variant.
Genome position (GRCh38, 1-based): chr8:144,097,025, G>A. VCF-style: chr8-144097025-G-A. GRCh37 (hg19) VCF-style: chr8-145151928-G-A.
Identifiers: ClinVar variation 4818898 (VCV004818898.1).
Genomic context (GRCh38, chr8:144,097,025, plus strand): 5'-CAGAGGGGGGGCATGATCCCAGGTTGGACATGAGCCTGAGAATAGCCCTCACTGCTTGTC[G>A]TTGGCCAGGCACCCCAGCTACCATGTCCCAGATAGCCAAGGATGTGTGCACCTTCCTGCG-3'